The following is an entry in ClinVar:

NM_007294.4(BRCA1):c.3535A>T (p.Lys1179Ter)

Genes: BRCA1 (BRCA1 DNA repair associated; minus strand), LOC126862571 (BRD4-independent group 4 enhancer GRCh37_chr17:41243136-41244335; plus strand). Cytogenetic location: 17q21.31.
Variant type: single nucleotide variant.
Coding change: c.3535A>T on transcript NM_007294.4 (MANE Select); coding-DNA position 3535, A replaced by T.
Protein change: p.Lys1179Ter; replaces lysine 1179 with a stop codon.
Molecular consequence: nonsense. On other transcripts: intron variant (135).
Genome position (GRCh38, 1-based): chr17:43,091,996, T>A on the plus strand (A>T on the coding strand, the complement: BRCA1 is on the minus strand). VCF-style: chr17-43091996-T-A. GRCh37 (hg19) VCF-style: chr17-41244013-T-A.
Other names: c.3532A>T, p.Lys1178Ter (NM_001407644.1, NM_001407645.1, NM_001407587.1 and 22 more transcripts); c.3526A>T, p.Lys1176Ter (NM_001407646.1, NM_001407647.1); c.3412A>T, p.Lys1138Ter (NM_001407648.1, NM_001407664.1, NM_001407665.1 and 19 more transcripts); c.3409A>T, p.Lys1137Ter (NM_001407649.1, NM_001407670.1, NM_001407671.1 and 11 more transcripts); c.3535A>T, p.Lys1179Ter (NM_001407652.1, NM_001407684.1, NM_001407581.1 and 30 more transcripts); c.3457A>T, p.Lys1153Ter (NM_001407653.1, NM_001407654.1, NM_001407655.1 and 4 more transcripts); c.3454A>T, p.Lys1152Ter (NM_001407659.1, NM_001407660.1, NM_001407661.1 and 1 more transcripts); c.3394A>T, p.Lys1132Ter (NM_001407692.1, NM_001407694.1, NM_001407695.1 and 29 more transcripts); and 41 more; short protein forms K1179*, K1132*, K1051*, K1068*, K1090*, K1111*, K1112*, K1137*.
Identifiers: ClinVar variation 495091 (VCV000495091.3), dbSNP rs587782188, ClinGen allele CA10594898.

ClinVar aggregate classification (germline): Pathogenic (1 of 4 stars; one submission).

Submission:

GeneKor MSA
Classification: Pathogenic. Last evaluated: 2020-01-01. Review status: criteria provided, single submitter. Criteria: ACMG Guidelines, 2015. Collection method: clinical testing. Allele origin: germline.
Comment: This sequence change creates a premature translational stop signal at codon 1179 of the BRCA1 protein (p.Lys1179*). It is expected to result in an absent or disrupted protein product.While this particular variant has not been reported in the literature, truncating variants in the BRCA1 gene are known to be pathogenic.